The following is an entry in ClinVar:

ClinVar aggregate classification (germline): Likely benign. Review status: criteria provided, multiple submitters, no conflicts (2 of 4 stars). 3 submissions from 3 submitters: Likely benign (3). Last evaluated 2026-08-01.

Conditions:
PLEC-related disorder. Also called: PLEC-related disorders; PLEC-related condition.

Allele frequency attached by ClinVar (database versions not stated): TOPMed 0.00002; gnomAD exomes 0.00006.

Submissions (3):

CeGaT Center for Human Genetics Tuebingen
Classification: Likely benign. Last evaluated: 2026-08-01. Review status: criteria provided, single submitter. Criteria: CeGaT Center For Human Genetics Tuebingen Variant Classification Criteria Version 2. Collection method: clinical testing. Allele origin: germline. Affected: yes. Observed: 1 variant allele.
Comment: PLEC: BP4, BP7

PreventionGenetics, part of Exact Sciences
Classification: Likely benign for PLEC-related condition. Last evaluated: 2026-05-28. Review status: criteria provided, single submitter. Criteria: ACMG Guidelines, 2015. Collection method: clinical testing. Allele origin: germline.
Comment: This variant is classified as likely benign based on ACMG/AMP sequence variant interpretation guidelines (Richards et al. 2015 PMID: 25741868, with internal and published modifications).

Athena Diagnostics
Classification: Likely benign. Last evaluated: 2019-08-15. Review status: criteria provided, single submitter. Criteria: Athena Diagnostics Criteria. Collection method: clinical testing. Allele origin: germline.

NM_201378.4(PLEC):c.71-11706C>T

Gene: PLEC (plectin; minus strand). Cytogenetic location: 8q24.3.
Variant type: single nucleotide variant.
Coding change: c.71-11706C>T on transcript NM_201378.4 (MANE Plus Clinical); 11706 bases into the intron before coding-DNA position 71, C replaced by T.
Molecular consequence: intron variant. On other transcripts: synonymous variant (1).
Genome position (GRCh38, 1-based): chr8:143,950,398, G>A on the plus strand (C>T on the coding strand, the complement: PLEC is on the minus strand). VCF-style: chr8-143950398-G-A. GRCh37 (hg19) VCF-style: chr8-145024566-G-A.
Other names: c.309C>T, p.Pro103= (NM_201380.4); c.194-11706C>T (NM_001410941.1, NM_000445.5); c.46+3328C>T (NM_201379.3).
Identifiers: ClinVar variation 805211 (VCV000805211.5), dbSNP rs781796596, ClinGen allele CA4928964.